The following is an entry in ClinVar:

ClinVar aggregate classification (germline): Uncertain significance (1 of 4 stars; one submission).

Conditions:
Inborn genetic diseases. Identifiers: MedGen C0950123, MeSH D030342.

Submission:

Ambry Genetics
Classification: Uncertain significance for Inborn genetic diseases. Last evaluated: 2026-07-06. Review status: criteria provided, single submitter. Criteria: Ambry Variant Classification Scheme 2023. Collection method: clinical testing. Allele origin: germline.
Comment: The p.L105H variant (also known as c.314T>A), located in coding exon 2 of the GATA2 gene, results from a T to A substitution at nucleotide position 314. The leucine at codon 105 is replaced by histidine, an amino acid with similar properties. This amino acid position is conserved. In addition, this alteration is predicted to be deleterious by in silico analysis. Based on the available evidence, the clinical significance of this variant remains unclear.

NM_032638.5(GATA2):c.314T>A (p.Leu105His)

Gene: GATA2 (GATA binding protein 2; minus strand). Cytogenetic location: 3q21.3.
Variant type: single nucleotide variant.
Coding change: c.314T>A on transcript NM_032638.5 (MANE Select); coding-DNA position 314, T replaced by A.
Protein change: p.Leu105His; replaces leucine 105 with histidine.
Molecular consequence: missense variant.
Genome position (GRCh38, 1-based): chr3:128,486,284, A>T on the plus strand (T>A on the coding strand, the complement: GATA2 is on the minus strand). VCF-style: chr3-128486284-A-T. GRCh37 (hg19) VCF-style: chr3-128205127-A-T.
Other names: c.314T>A, p.Leu105His (NM_001145661.2, NM_001145662.1); short protein forms L105H.
Identifiers: ClinVar variation 5022191 (VCV005022191.1).